The following is an entry in ClinVar:

ClinVar aggregate classification (germline): Uncertain significance. Review status: criteria provided, multiple submitters, no conflicts (2 of 4 stars). 2 submissions from 2 submitters: Uncertain significance (2). Last evaluated 2025-08-13.

Conditions:
Candidiasis, familial, 9 (CANDF9). Identifiers: Orphanet 1334, MedGen C4225324, MONDO:0014642, OMIM 616445.

Allele frequency attached by ClinVar (database versions not stated): ExAC 0.00002; ESP Exome Variant Server 0.00008; TOPMed 0.00016; gnomAD 0.00017.
gnomAD v4.1: 47 of 1,593,238 alleles (0.0029%); highest among the groups gnomAD compares: Admixed American, 0.062%; no homozygotes.

Submissions (2):

Labcorp Genetics (formerly Invitae), Labcorp
Classification: Uncertain significance for Candidiasis, familial, 9. Last evaluated: 2025-08-13. Review status: criteria provided, single submitter. Criteria: Invitae Variant Classification Sherloc (09022015). Collection method: clinical testing. Allele origin: germline.
Comment: This sequence change replaces arginine, which is basic and polar, with histidine, which is basic and polar, at codon 156 of the IL17RC protein (p.Arg156His). This variant is present in population databases (rs145220837, gnomAD 0.03%). This variant has not been reported in the literature in individuals affected with IL17RC-related conditions. ClinVar contains an entry for this variant (Variation ID: 2168719). An algorithm developed to predict the effect of missense changes on protein structure and function (PolyPhen-2) suggests that this variant is likely to be disruptive. In summary, the available evidence is currently insufficient to determine the role of this variant in disease. Therefore, it has been classified as a Variant of Uncertain Significance.

Ambry Genetics
Classification: Uncertain significance. Last evaluated: 2025-06-25. Review status: criteria provided, single submitter. Criteria: Ambry Variant Classification Scheme 2023. Collection method: clinical testing. Allele origin: germline.

NM_153460.4(IL17RC):c.254G>A (p.Arg85His)

Gene: IL17RC (interleukin 17 receptor C; plus strand). Cytogenetic location: 3p25.3.
Variant type: single nucleotide variant.
Coding change: c.254G>A on transcript NM_153460.4 (MANE Select); coding-DNA position 254, G replaced by A.
Protein change: p.Arg85His; replaces arginine 85 with histidine.
Molecular consequence: missense variant. On other transcripts: non-coding transcript variant (1).
Genome position (GRCh38, 1-based): chr3:9,918,049, G>A. VCF-style: chr3-9918049-G-A. GRCh37 (hg19) VCF-style: chr3-9959733-G-A.
Other names: c.254G>A, p.Arg85His (NM_001203263.2, NM_001203264.2, NM_001203265.2 and 5 more transcripts); c.467G>A, p.Arg156His (NM_153461.4); c.467G>A (NM_153461.3); short protein forms R156H, R85H.
Identifiers: ClinVar variation 2168719 (VCV002168719.5), dbSNP rs145220837, ClinGen allele CA2246779.
Genomic context (GRCh38, chr3:9,918,049, plus strand): 5'-ACCTGCAGACAGAGCTGGTGCTGAGGTGCCAGAAGGAGACCGACTGTGACCTCTGTCTGC[G>A]TGTGGCTGTCCACTTGGCCGTGCATGGTGAGCAAGTCATCCTGTGACAGTGCATGTGTAC-3'
Protein context (NP_703190.2, residues 75-95): QKETDCDLCL[Arg85His]VAVHLAVHGH